The following is an entry in ClinVar:

ClinVar aggregate classification (germline): Pathogenic (1 of 4 stars; one submission).

Conditions:
Duchenne muscular dystrophy (DMD). Also called: Duchenne Muscular Dystrophy (DMD); MUSCULAR DYSTROPHY, PSEUDOHYPERTROPHIC PROGRESSIVE, DUCHENNE TYPE. Identifiers: Orphanet 98896, MedGen C0013264, MONDO:0010679, OMIM 310200.

Submission:

Labcorp Genetics (formerly Invitae), Labcorp
Classification: Pathogenic for Duchenne muscular dystrophy. Last evaluated: 2019-07-29. Review status: criteria provided, single submitter. Criteria: Invitae Variant Classification Sherloc (09022015). Collection method: clinical testing. Allele origin: germline.
Comment: This variant is a gross deletion of the genomic region encompassing exon 63 of the DMD gene. This out-of-frame deletion creates a premature translational stop signal and is expected to result in an absent or disrupted protein product. Loss-of-function variants in DMD are known to be pathogenic. A similar deletion has been reported in the literature in individuals affected with Duchenne muscular dystrophy (PMID: 19937601, 23695957). For these reasons, this variant has been classified as Pathogenic.

Literature cited by the submitters: PubMed 23695957; PubMed 19937601.

NC_000023.11:g.(?_31260945)_(31261664_?)del

Gene: DMD (dystrophin; minus strand). Cytogenetic location: Xp21.2.
Variant type: Deletion.
Identifiers: ClinVar variation 830818 (VCV000830818.1).